The following is an entry in ClinVar:

ClinVar aggregate classification (germline): Uncertain significance (1 of 4 stars; one submission).

Submission:

GeneDx
Classification: Uncertain significance. Last evaluated: 2024-04-07. Review status: criteria provided, single submitter. Criteria: GeneDx Variant Classification Process June 2021. Collection method: clinical testing. Allele origin: germline. Affected: yes.
Comment: Not observed at significant frequency in large population cohorts (gnomAD); In silico analysis indicates that this missense variant does not alter protein structure/function; Has not been previously published as pathogenic or benign to our knowledge

NM_006922.4(SCN3A):c.5187C>A (p.Asp1729Glu)

Gene: SCN3A (sodium voltage-gated channel alpha subunit 3; minus strand). Cytogenetic location: 2q24.3.
Variant type: single nucleotide variant.
Coding change: c.5187C>A on transcript NM_006922.4 (MANE Select); coding-DNA position 5187, C replaced by A.
Protein change: p.Asp1729Glu; replaces aspartic acid 1729 with glutamic acid.
Molecular consequence: missense variant.
Genome position (GRCh38, 1-based): chr2:165,090,966, G>T on the plus strand (C>A on the coding strand, the complement: SCN3A is on the minus strand). VCF-style: chr2-165090966-G-T. GRCh37 (hg19) VCF-style: chr2-165947476-G-T.
Other names: c.5040C>A, p.Asp1680Glu (NM_001081676.2, NM_001081677.2); short protein forms D1680E, D1729E.
Identifiers: ClinVar variation 3372194 (VCV003372194.1).